The following is an entry in ClinVar:

ClinVar aggregate classification (germline): Uncertain significance (1 of 4 stars; one submission).

Allele frequency attached by ClinVar (database versions not stated): gnomAD exomes below 0.00001; ExAC 0.00001; gnomAD 0.00001; TOPMed 0.00003.
gnomAD v4.1: 3 of 1,613,728 alleles (0.00019%); highest among the groups gnomAD compares: African/African-American, 0.004%; no homozygotes.

Submission:

Labcorp Genetics (formerly Invitae), Labcorp
Classification: Uncertain significance. Last evaluated: 2022-01-28. Review status: criteria provided, single submitter. Criteria: Invitae Variant Classification Sherloc (09022015). Collection method: clinical testing. Allele origin: germline.
Comment: In summary, the available evidence is currently insufficient to determine the role of this variant in disease. Therefore, it has been classified as a Variant of Uncertain Significance. Advanced modeling of protein sequence and biophysical properties (such as structural, functional, and spatial information, amino acid conservation, physicochemical variation, residue mobility, and thermodynamic stability) performed at Invitae indicates that this missense variant is not expected to disrupt NEFH protein function. This sequence change replaces glutamic acid, which is acidic and polar, with lysine, which is basic and polar, at codon 754 of the NEFH protein (p.Glu754Lys). This variant is present in population databases (rs772610461, gnomAD 0.007%). This variant has not been reported in the literature in individuals affected with NEFH-related conditions.

NM_021076.4(NEFH):c.2260G>A (p.Glu754Lys)

Gene: NEFH (neurofilament heavy chain; plus strand). Cytogenetic location: 22q12.2.
Variant type: single nucleotide variant.
Coding change: c.2260G>A on transcript NM_021076.4 (MANE Select); coding-DNA position 2260, G replaced by A.
Protein change: p.Glu754Lys; replaces glutamic acid 754 with lysine.
Molecular consequence: missense variant.
Genome position (GRCh38, 1-based): chr22:29,489,900, G>A. VCF-style: chr22-29489900-G-A. GRCh37 (hg19) VCF-style: chr22-29885889-G-A.
Other names: short protein forms E754K.
Identifiers: ClinVar variation 2090589 (VCV002090589.4), dbSNP rs772610461, ClinGen allele CA10174389.